The following is an entry in ClinVar:

NM_017763.6(RNF43):c.1144G>A (p.Gly382Ser)

Gene: RNF43 (ring finger protein 43; minus strand). Cytogenetic location: 17q22.
Variant type: single nucleotide variant.
Coding change: c.1144G>A on transcript NM_017763.6 (MANE Select); coding-DNA position 1144, G replaced by A.
Protein change: p.Gly382Ser; replaces glycine 382 with serine.
Molecular consequence: missense variant.
Genome position (GRCh38, 1-based): chr17:58,358,632, C>T on the plus strand (G>A on the coding strand, the complement: RNF43 is on the minus strand). VCF-style: chr17-58358632-C-T. GRCh37 (hg19) VCF-style: chr17-56435993-C-T.
Other names: c.1144G>A, p.Gly382Ser (NM_001305544.3, NM_001438820.1, NM_001438821.1 and 1 more transcripts); c.763G>A, p.Gly255Ser (NM_001305545.2, NM_001437987.1); short protein forms G255S, G382S.
Identifiers: ClinVar variation 4578980 (VCV004578980.1).

ClinVar aggregate classification (germline): Uncertain significance (1 of 4 stars; one submission).

Submission:

Ambry Genetics
Classification: Uncertain significance. Last evaluated: 2025-10-28. Review status: criteria provided, single submitter. Criteria: Ambry Variant Classification Scheme 2023. Collection method: clinical testing. Allele origin: germline.
Comment: The p.G382S variant (also known as c.1144G>A), located in coding exon 8 of the RNF43 gene, results from a G to A substitution at nucleotide position 1144. The glycine at codon 382 is replaced by serine, an amino acid with similar properties. This amino acid position is conserved. In addition, this alteration is predicted to be tolerated by in silico analysis. Based on the available evidence, the clinical significance of this variant remains unclear.